The following is an entry in ClinVar:

ClinVar aggregate classification (germline): Uncertain significance (1 of 4 stars; one submission).

Conditions:
DSG1-related disorder. Also called: DSG1-related condition.

Submission:

PreventionGenetics, part of Exact Sciences
Classification: Uncertain significance for DSG1-related condition. Last evaluated: 2026-08-28. Review status: criteria provided, single submitter. Criteria: ACMG Guidelines, 2015. Collection method: clinical testing. Allele origin: germline.
Comment: The DSG1 c.335C>A variant is predicted to result in the amino acid substitution p.Thr112Lys. To our knowledge, this variant has not been reported in the literature or in a large population database (gnomAD), indicating this variant is rare. At this time, the clinical significance of this variant is uncertain due to the absence of conclusive functional and genetic evidence.

NM_001942.4(DSG1):c.335C>A (p.Thr112Lys)

Gene: DSG1 (desmoglein 1; plus strand). Cytogenetic location: 18q12.1.
Variant type: single nucleotide variant.
Coding change: c.335C>A on transcript NM_001942.4 (MANE Select); coding-DNA position 335, C replaced by A.
Protein change: p.Thr112Lys; replaces threonine 112 with lysine.
Molecular consequence: missense variant.
Genome position (GRCh38, 1-based): chr18:31,328,307, C>A. VCF-style: chr18-31328307-C-A. GRCh37 (hg19) VCF-style: chr18-28908270-C-A.
Other names: short protein forms T112K.
Identifiers: ClinVar variation 4996518 (VCV004996518.1).
Genomic context (GRCh38, chr18:31,328,307, plus strand): 5'-TTGATCAGCCACCATATGGGATCTTTGTCATTAATCAGAAAACTGGTGAAATTAATATAA[C>A]ATCCATAGTTGATCGAGAGGTCACTCCTTTCTTCATTGTAAGTGGACTTCATGTCAATAT-3'
Protein context (NP_001933.2, residues 102-122): INQKTGEINI[Thr112Lys]SIVDREVTPF